The following is an entry in ClinVar:

NM_001267550.2(TTN):c.59927-11T>A

Genes: TTN-AS1 (TTN antisense RNA 1; plus strand), TTN (titin; minus strand), LOC126806424 (CDK7 strongly-dependent group 2 enhancer GRCh37_chr2:179456337-179457536; plus strand). Cytogenetic location: 2q31.2.
Variant type: single nucleotide variant.
Coding change: c.59927-11T>A on transcript NM_001267550.2 (MANE Select); 11 bases into the intron before coding-DNA position 59927, T replaced by A.
Molecular consequence: intron variant.
Genome position (GRCh38, 1-based): chr2:178,591,903, A>T on the plus strand (T>A on the coding strand, the complement: TTN is on the minus strand). VCF-style: chr2-178591903-A-T. GRCh37 (hg19) VCF-style: chr2-179456630-A-T.
Other names: c.32732-11T>A (NM_003319.4); c.33308-11T>A (NM_133437.4); c.33107-11T>A (NM_133432.3); c.52223-11T>A (NM_133378.4); c.55004-11T>A (NM_001256850.1).
Identifiers: ClinVar variation 1254030 (VCV001254030.13), dbSNP rs555554134, ClinGen allele CA1992572.

ClinVar aggregate classification (germline): Conflicting classifications of pathogenicity. Review status: criteria provided, conflicting classifications (1 of 4 stars). 3 submissions from 3 submitters: Uncertain significance (1); Likely benign (2). Last evaluated 2025-12-08.

Conditions:
Dilated cardiomyopathy 1G (CMD1G). Identifiers: Orphanet 154, MedGen C1858763, MONDO:0011400, OMIM 604145.
Autosomal recessive limb-girdle muscular dystrophy type 2J (LGMDR10). Also called: MUSCULAR DYSTROPHY, LIMB-GIRDLE, AUTOSOMAL RECESSIVE 10; Limb-girdle muscular dystrophy, type 2J. Identifiers: Orphanet 140922, MedGen C1837342, MONDO:0012127, OMIM 608807.

Allele frequency attached by ClinVar (database versions not stated): gnomAD 0.00002; gnomAD exomes 0.00004 and 0.00008; ExAC 0.00005; TOPMed 0.00009; 1000 Genomes Project 30x 0.00016; 1000 Genomes Project 0.00020.
gnomAD v4.1: 68 of 1,605,592 alleles (0.0042%); highest among the groups gnomAD compares: Admixed American, 0.033%; no homozygotes.

Submissions (3):

Labcorp Genetics (formerly Invitae), Labcorp
Classification: Likely benign for Dilated cardiomyopathy 1G; Autosomal recessive limb-girdle muscular dystrophy type 2J. Last evaluated: 2025-12-08. Review status: criteria provided, single submitter. Criteria: Invitae Variant Classification Sherloc (09022015). Collection method: clinical testing. Allele origin: germline.

GeneDx
Classification: Uncertain significance. Last evaluated: 2025-08-08. Review status: criteria provided, single submitter. Criteria: GeneDx Variant Classification Process June 2021. Collection method: clinical testing. Allele origin: germline. Affected: yes.
Comment: In silico analysis suggests that this variant does not alter splicing; Has not been previously published as pathogenic or benign to our knowledge

Women's Health and Genetics/Laboratory Corporation of America, LabCorp
Classification: Likely benign. Last evaluated: 2025-06-26. Review status: criteria provided, single submitter. Criteria: LabCorp Variant Classification Summary - May 2015. Collection method: clinical testing. Allele origin: germline.